The following is an entry in ClinVar:

ClinVar aggregate classification (germline): Uncertain significance (1 of 4 stars; one submission).

Submission:

Labcorp Genetics (formerly Invitae), Labcorp
Classification: Uncertain significance. Last evaluated: 2022-01-13. Review status: criteria provided, single submitter. Criteria: Invitae Variant Classification Sherloc (09022015). Collection method: clinical testing. Allele origin: germline.
Comment: In summary, the available evidence is currently insufficient to determine the role of this variant in disease. Therefore, it has been classified as a Variant of Uncertain Significance. Algorithms developed to predict the effect of missense changes on protein structure and function are either unavailable or do not agree on the potential impact of this missense change (SIFT: "Deleterious"; PolyPhen-2: "Benign"; Align-GVGD: "Class C0"). This variant has not been reported in the literature in individuals affected with GEN1-related conditions. This variant is not present in population databases (gnomAD no frequency). This sequence change replaces arginine, which is basic and polar, with glycine, which is neutral and non-polar, at codon 787 of the GEN1 protein (p.Arg787Gly).

NM_001130009.3(GEN1):c.2359C>G (p.Arg787Gly)

Gene: GEN1 (GEN1 structure-specific endonuclease; plus strand). Cytogenetic location: 2p24.2.
Variant type: single nucleotide variant.
Coding change: c.2359C>G on transcript NM_001130009.3 (MANE Select); coding-DNA position 2359, C replaced by G.
Protein change: p.Arg787Gly; replaces arginine 787 with glycine.
Molecular consequence: missense variant.
Genome position (GRCh38, 1-based): chr2:17,781,571, C>G. VCF-style: chr2-17781571-C-G. GRCh37 (hg19) VCF-style: chr2-17962838-C-G.
Other names: c.2359C>G, p.Arg787Gly (NM_182625.5); short protein forms R787G.
Identifiers: ClinVar variation 2081943 (VCV002081943.4), dbSNP rs377259898, ClinGen allele CA345927869.